The following is an entry in ClinVar:

ClinVar aggregate classification (germline): Uncertain significance (1 of 4 stars; one submission).

Conditions:
Hereditary cancer-predisposing syndrome. Also called: Hereditary Cancer Syndrome; Hereditary neoplastic syndrome; Neoplastic Syndromes, Hereditary; Tumor predisposition. Identifiers: Orphanet 140162, MedGen C0027672, MeSH D009386, MONDO:0015356.

Submission:

Hereditary Cancer Laboratory, Hospital Universitario 12 de Octubre
Classification: Uncertain significance for Hereditary cancer-predisposing syndrome. Last evaluated: 2024-07-01. Review status: criteria provided, single submitter. Criteria: ACMG Guidelines, 2015. Collection method: clinical testing. Allele origin: germline.
Comment: PM2

NM_032043.3(BRIP1):c.1597G>T (p.Val533Leu)

Gene: BRIP1 (BRCA1 interacting DNA helicase 1; minus strand). Cytogenetic location: 17q23.2.
Variant type: single nucleotide variant.
Coding change: c.1597G>T on transcript NM_032043.3 (MANE Select); coding-DNA position 1597, G replaced by T.
Protein change: p.Val533Leu; replaces valine 533 with leucine.
Molecular consequence: missense variant.
Genome position (GRCh38, 1-based): chr17:61,784,301, C>A on the plus strand (G>T on the coding strand, the complement: BRIP1 is on the minus strand). VCF-style: chr17-61784301-C-A. GRCh37 (hg19) VCF-style: chr17-59861662-C-A.
Other names: short protein forms V533L.
Identifiers: ClinVar variation 3906167 (VCV003906167.1).